The following is an entry in ClinVar:

NM_001042492.3(NF1):c.121G>T (p.Glu41Ter)

Gene: NF1 (neurofibromin 1; plus strand). Cytogenetic location: 17q11.2.
Variant type: single nucleotide variant.
Coding change: c.121G>T on transcript NM_001042492.3 (MANE Select); coding-DNA position 121, G replaced by T.
Protein change: p.Glu41Ter; replaces glutamic acid 41 with a stop codon.
Molecular consequence: nonsense.
Genome position (GRCh38, 1-based): chr17:31,156,043, G>T. VCF-style: chr17-31156043-G-T. GRCh37 (hg19) VCF-style: chr17-29483061-G-T.
Other names: c.121G>T, p.Glu41Ter (NM_000267.4, NM_001128147.3); short protein forms E41*.
Identifiers: ClinVar variation 620401 (VCV000620401.6), dbSNP rs1567814497, ClinGen allele CA398988365.

ClinVar aggregate classification (germline): Pathogenic. Review status: criteria provided, multiple submitters, no conflicts (2 of 4 stars). 2 submissions from 2 submitters: Pathogenic (2). Last evaluated 2022-12-17.

Conditions:
Neurofibromatosis, type 1 (NF1). Also called: VON RECKLINGHAUSEN DISEASE; NEUROFIBROMATOSIS, TYPE I, SOMATIC; Peripheral type neurofibromatosis; Neurofibromatosis, type I. Identifiers: Orphanet 636, MedGen C0027831, MONDO:0018975, OMIM 162200. Disease mechanism: loss of function.

Submissions (2):

Labcorp Genetics (formerly Invitae), Labcorp
Classification: Pathogenic for Neurofibromatosis, type 1. Last evaluated: 2022-12-17. Review status: criteria provided, single submitter. Criteria: Invitae Variant Classification Sherloc (09022015). Collection method: clinical testing. Allele origin: germline.
Comment: This sequence change creates a premature translational stop signal (p.Glu41*) in the NF1 gene. It is expected to result in an absent or disrupted protein product. Loss-of-function variants in NF1 are known to be pathogenic (PMID: 10712197, 23913538). This variant is not present in population databases (gnomAD no frequency). This variant has not been reported in the literature in individuals affected with NF1-related conditions. ClinVar contains an entry for this variant (Variation ID: 620401). For these reasons, this variant has been classified as Pathogenic.

GeneDx
Classification: Pathogenic. Last evaluated: 2020-11-03. Review status: criteria provided, single submitter. Criteria: GeneDx Variant Classification Process June 2021. Collection method: clinical testing. Allele origin: germline. Affected: yes.
Comment: Nonsense variant predicted to result in protein truncation or nonsense mediated decay in a gene for which loss-of-function is a known mechanism of disease; Not observed in large population cohorts (Lek 2016); Has not been previously published as a germline variant to our knowledge; This variant is associated with the following publications: (PMID: 32666581)

Literature cited by the submitters: PubMed 10712197 (cited by Labcorp Genetics (formerly Invitae), Labcorp); PubMed 23913538 (cited by Labcorp Genetics (formerly Invitae), Labcorp).